The following is an entry in ClinVar:

ClinVar aggregate classification (germline): Uncertain significance. Review status: criteria provided, multiple submitters, no conflicts (2 of 4 stars). 2 submissions from 2 submitters: Uncertain significance (2). Last evaluated 2025-08-09.

Conditions:
Inborn genetic diseases. Identifiers: MedGen C0950123, MeSH D030342.

gnomAD v4.1: 3 of 1,613,086 alleles (0.00019%); highest among the groups gnomAD compares: Non-Finnish European, 0.00017%; no homozygotes.

Submissions (2):

Ambry Genetics
Classification: Uncertain significance for Inborn genetic diseases. Last evaluated: 2025-08-09. Review status: criteria provided, single submitter. Criteria: Ambry Variant Classification Scheme 2023. Collection method: clinical testing. Allele origin: germline.

GeneDx
Classification: Uncertain significance. Last evaluated: 2024-05-23. Review status: criteria provided, single submitter. Criteria: GeneDx Variant Classification Process June 2021. Collection method: clinical testing. Allele origin: germline. Affected: yes.
Comment: Not observed at significant frequency in large population cohorts (gnomAD); In silico analysis supports that this missense variant has a deleterious effect on protein structure/function; Has not been previously published as pathogenic or benign to our knowledge

NM_001042681.2(RERE):c.3428C>T (p.Ser1143Leu)

Gene: RERE (arginine-glutamic acid dipeptide repeats; minus strand). Cytogenetic location: 1p36.23.
Variant type: single nucleotide variant.
Coding change: c.3428C>T on transcript NM_001042681.2 (MANE Select); coding-DNA position 3428, C replaced by T.
Protein change: p.Ser1143Leu; replaces serine 1143 with leucine.
Molecular consequence: missense variant.
Genome position (GRCh38, 1-based): chr1:8,359,954, G>A on the plus strand (C>T on the coding strand, the complement: RERE is on the minus strand). VCF-style: chr1-8359954-G-A. GRCh37 (hg19) VCF-style: chr1-8420014-G-A.
Other names: c.1766C>T, p.Ser589Leu (NM_001042682.2); c.3428C>T, p.Ser1143Leu (NM_012102.4); short protein forms S1143L, S589L.
Identifiers: ClinVar variation 3383445 (VCV003383445.2).